The following is an entry in ClinVar:

NM_004787.4(SLIT2):c.3974T>C (p.Met1325Thr)

Gene: SLIT2 (slit guidance ligand 2; plus strand). Cytogenetic location: 4p15.31.
Variant type: single nucleotide variant.
Coding change: c.3974T>C on transcript NM_004787.4 (MANE Select); coding-DNA position 3974, T replaced by C.
Protein change: p.Met1325Thr; replaces methionine 1325 with threonine.
Molecular consequence: missense variant.
Genome position (GRCh38, 1-based): chr4:20,617,036, T>C. VCF-style: chr4-20617036-T-C. GRCh37 (hg19) VCF-style: chr4-20618659-T-C.
Other names: c.3962T>C, p.Met1321Thr (NM_001289135.3); c.3950T>C, p.Met1317Thr (NM_001289136.3); short protein forms M1317T, M1325T, M1321T.
Identifiers: ClinVar variation 4169773 (VCV004169773.2).

ClinVar aggregate classification (germline): Uncertain significance. Review status: criteria provided, multiple submitters, no conflicts (2 of 4 stars). 2 submissions from 2 submitters: Uncertain significance (2). Last evaluated 2025-10-04.

Submissions (2):

Labcorp Genetics (formerly Invitae), Labcorp
Classification: Uncertain significance. Last evaluated: 2025-10-04. Review status: criteria provided, single submitter. Criteria: Invitae Variant Classification Sherloc (09022015). Collection method: clinical testing. Allele origin: germline.
Comment: This sequence change replaces methionine, which is neutral and non-polar, with threonine, which is neutral and polar, at codon 1325 of the SLIT2 protein (p.Met1325Thr). This variant is present in population databases (rs762714792, gnomAD 0.002%). This variant has not been reported in the literature in individuals affected with SLIT2-related conditions. An algorithm developed to predict the effect of missense changes on protein structure and function (PolyPhen-2) suggests that this variant is likely to be tolerated. In summary, the available evidence is currently insufficient to determine the role of this variant in disease. Therefore, it has been classified as a Variant of Uncertain Significance.

Ambry Genetics
Classification: Uncertain significance. Last evaluated: 2025-08-12. Review status: criteria provided, single submitter. Criteria: Ambry Variant Classification Scheme 2023. Collection method: clinical testing. Allele origin: germline.